The following is an entry in ClinVar:

ClinVar aggregate classification (germline): Uncertain significance (1 of 4 stars; one submission).

Conditions:
Atrial fibrillation, familial, 18 (ATFB18). Identifiers: MedGen C4310636, MONDO:0015001, OMIM 617280.

Submission:

Labcorp Genetics (formerly Invitae), Labcorp
Classification: Uncertain significance for Atrial fibrillation, familial, 18. Last evaluated: 2019-03-29. Review status: criteria provided, single submitter. Criteria: Invitae Variant Classification Sherloc (09022015). Collection method: clinical testing. Allele origin: germline.
Comment: In summary, the available evidence is currently insufficient to determine the role of this variant in disease. Therefore, it has been classified as a Variant of Uncertain Significance. Algorithms developed to predict the effect of missense changes on protein structure and function are either unavailable or do not agree on the potential impact of this missense change (SIFT: "Deleterious"; PolyPhen-2: "Benign"; Align-GVGD: "Class C0"). This variant has not been reported in the literature in individuals with MYL4-related conditions. This variant is not present in population databases (ExAC no frequency). This sequence change replaces isoleucine with methionine at codon 53 of the MYL4 protein (p.Ile53Met). The isoleucine residue is moderately conserved and there is a small physicochemical difference between isoleucine and methionine.

NM_002476.2(MYL4):c.159T>G (p.Ile53Met)

Gene: MYL4 (myosin light chain 4; plus strand). Cytogenetic location: 17q21.32.
Variant type: single nucleotide variant.
Coding change: c.159T>G on transcript NM_002476.2 (MANE Select); coding-DNA position 159, T replaced by G.
Protein change: p.Ile53Met; replaces isoleucine 53 with methionine.
Molecular consequence: missense variant.
Genome position (GRCh38, 1-based): chr17:47,213,822, T>G. VCF-style: chr17-47213822-T-G. GRCh37 (hg19) VCF-style: chr17-45291188-T-G.
Other names: c.159T>G, p.Ile53Met (NM_001002841.2); short protein forms I53M.
Identifiers: ClinVar variation 844701 (VCV000844701.9), dbSNP rs2064793779, ClinGen allele CA400032094.